The following is an entry in ClinVar:

NM_007294.4(BRCA1):c.3716dup (p.Gln1240fs)

Genes: BRCA1 (BRCA1 DNA repair associated; minus strand), LOC126862571 (BRD4-independent group 4 enhancer GRCh37_chr17:41243136-41244335; plus strand). Cytogenetic location: 17q21.31.
Variant type: Duplication.
Coding change: c.3716dup on transcript NM_007294.4 (MANE Select); coding-DNA position 3716, one base duplicated (C; older notation c.3716dupC).
Protein change: p.Gln1240fs; shifts the reading frame from glutamine 1240.
Molecular consequence: frameshift variant. On other transcripts: intron variant (135).
Genome position (GRCh38, 1-based): chr17:43,091,815, G duplicated on the plus strand (C on the coding strand, the reverse complement: BRCA1 is on the minus strand). VCF-style (leftmost placement, unchanged base first): chr17-43091814-A-AG. GRCh37 (hg19) VCF-style: chr17-41243831-A-AG.
Other names: c.3503dup, p.Gln1169fs (NM_001407571.1, NM_001407853.1, NM_001407894.1 and 9 more transcripts); c.3716dup, p.Gln1240fs (NM_001407581.1, NM_001407582.1, NM_001407583.1 and 30 more transcripts); c.3713dup, p.Gln1239fs (NM_001407587.1, NM_001407590.1, NM_001407591.1 and 22 more transcripts); c.3707dup, p.Gln1237fs (NM_001407646.1, NM_001407647.1); c.3593dup, p.Gln1199fs (NM_001407648.1, NM_001407664.1, NM_001407665.1 and 19 more transcripts); c.3590dup, p.Gln1198fs (NM_001407649.1, NM_001407670.1, NM_001407671.1 and 11 more transcripts); c.3638dup, p.Gln1214fs (NM_001407653.1, NM_001407654.1, NM_001407655.1 and 4 more transcripts); c.3635dup, p.Gln1213fs (NM_001407659.1, NM_001407660.1, NM_001407661.1 and 1 more transcripts); and 42 more; short protein forms Q1240fs, Q1193fs, Q1112fs, Q1113fs, Q1172fs, Q1173fs, Q1192fs, Q1239fs.
Identifiers: ClinVar variation 54977 (VCV000054977.2), dbSNP rs397509097, ClinGen allele CA327888.

ClinVar aggregate classification (germline): Pathogenic. Review status: reviewed by expert panel (3 of 4 stars). 2 submissions from 2 submitters: Pathogenic (1). 1 of the submissions does not count toward it. Last evaluated 2017-12-15.

Conditions:
Breast-ovarian cancer, familial, susceptibility to, 1 (BROVCA1). Also called: BRCA1 Hereditary Breast and Ovarian Cancer; OVARIAN CANCER, SUSCEPTIBILITY TO. Identifiers: Orphanet 145, MedGen C2676676, MONDO:0011450, OMIM 604370. Disease mechanism: loss of function.
Familial cancer of breast. Also called: hereditary breast carcinoma; BREAST CANCER, FAMILIAL; Hereditary breast cancer. Identifiers: Orphanet 227535, MedGen C0346153, MONDO:0016419, OMIM 114480. Disease mechanism: loss of function.

Submissions (2):

Evidence-based Network for the Interpretation of Germline Mutant Alleles (ENIGMA)
Classification: Pathogenic for Breast-ovarian cancer, familial, susceptibility to, 1. Last evaluated: 2017-12-15. Review status: reviewed by expert panel. Criteria: ENIGMA BRCA1/2 Classification Criteria (2017-06-29). Collection method: curation. Allele origin: germline. Study: ENIGMA.
Comment: Variant allele predicted to encode a truncated non-functional protein.

ClinVar Staff, National Center for Biotechnology Information (NCBI)
No classification provided. Condition: Familial cancer of breast. Review status: no classification provided. Collection method: literature only. Allele origin: germline. Affected: yes. Not counted in ClinVar's aggregate classification.

Literature cited by the submitters: PubMed 11595708 (cited by ClinVar Staff, National Center for Biotechnology Information (NCBI)).